The following is an entry in ClinVar:

ClinVar aggregate classification (germline): Pathogenic (1 of 4 stars; one submission).

Conditions:
Multiple sulfatase deficiency (MSD). Also called: Mucosulfatidosis; Multiple Sulfatase Deficiency Disease; Sulfatidosis, Juvenile, Austin Type. Identifiers: Orphanet 585, MedGen C0268263, MONDO:0010088, OMIM 272200.

Submission:

Labcorp Genetics (formerly Invitae), Labcorp
Classification: Pathogenic for Multiple sulfatase deficiency. Last evaluated: 2022-10-14. Review status: criteria provided, single submitter. Criteria: Invitae Variant Classification Sherloc (09022015). Collection method: clinical testing. Allele origin: germline.
Comment: This sequence change creates a premature translational stop signal (p.Gln56Serfs*53) in the SUMF1 gene. It is expected to result in an absent or disrupted protein product. Loss-of-function variants in SUMF1 are known to be pathogenic (PMID: 12757705, 12757706, 25885655). This variant is not present in population databases (gnomAD no frequency). This variant has not been reported in the literature in individuals affected with SUMF1-related conditions. For these reasons, this variant has been classified as Pathogenic.

Literature cited by the submitters: PubMed 12757705; PubMed 12757706; PubMed 25885655.

NM_182760.4(SUMF1):c.166del (p.Gln56fs)

Genes: SUMF1 (sulfatase modifying factor 1; minus strand), LOC129936056 (ATAC-STARR-seq lymphoblastoid silent region 14016; plus strand). Cytogenetic location: 3p26.1.
Variant type: Deletion.
Coding change: c.166del on transcript NM_182760.4 (MANE Select); coding-DNA position 166, one base deleted (C; older notation c.166delC).
Protein change: p.Gln56fs; shifts the reading frame from glutamine 56.
Molecular consequence: frameshift variant.
Genome position (GRCh38, 1-based): chr3:4,467,080, G deleted on the plus strand (C on the coding strand, the reverse complement: SUMF1 is on the minus strand); the first of 4 consecutive G bases (chr3:4,467,080-4,467,083); deleting any one gives the same sequence. VCF-style (leftmost placement, unchanged base first): chr3-4467079-TG-T. GRCh37 (hg19) VCF-style: chr3-4508763-TG-T.
Other names: c.166del, p.Gln56fs (NM_001164674.2, NM_001164675.2); short protein forms Q56fs.
Identifiers: ClinVar variation 2808494 (VCV002808494.3), dbSNP rs2470079783, ClinGen allele CA2664207226.
Genomic context (GRCh38, chr3:4,467,079, plus strand): 5'-GCGTTAGCCTCCCGCGAGTATCGGTGAGCGGCTGCCGAACTGCCATGGGCGCCAGGCCGC[TG>T]GGGCGTGCCGCAGCCGCAAGAACCCGCAAGGGACCCCGCGCCCGCACCGGTCCCGGCCTC-3'